The following is an entry in ClinVar:

NM_177550.5(SLC13A5):c.1687G>A (p.Val563Met)

Gene: SLC13A5 (solute carrier family 13 member 5; minus strand). Cytogenetic location: 17p13.1.
Variant type: single nucleotide variant.
Coding change: c.1687G>A on transcript NM_177550.5 (MANE Select); coding-DNA position 1687, G replaced by A.
Protein change: p.Val563Met; replaces valine 563 with methionine.
Molecular consequence: missense variant.
Genome position (GRCh38, 1-based): chr17:6,686,227, C>T on the plus strand (G>A on the coding strand, the complement: SLC13A5 is on the minus strand). VCF-style: chr17-6686227-C-T. GRCh37 (hg19) VCF-style: chr17-6589546-C-T.
Other names: c.1549G>A, p.Val517Met (NM_001143838.3); c.1636G>A, p.Val546Met (NM_001284509.2); c.1558G>A, p.Val520Met (NM_001284510.2); short protein forms V517M, V520M, V546M, V563M.
Identifiers: ClinVar variation 842888 (VCV000842888.12), dbSNP rs1973247421, ClinGen allele CA397736781.

ClinVar aggregate classification (germline): Uncertain significance (1 of 4 stars; one submission).

Conditions:
Developmental and epileptic encephalopathy, 25 (DEE25). Also called: Epileptic encephalopathy, early infantile, 25; Developmental and epileptic encephalopathy 25, with amelogenesis imperfecta; Epileptic encephalopathy, early infantile, 25, with amelogenesis imperfecta. Identifiers: Orphanet 442835, MedGen C4014621, MONDO:0014392, OMIM 615905.

Submission:

Labcorp Genetics (formerly Invitae), Labcorp
Classification: Uncertain significance for Developmental and epileptic encephalopathy, 25. Last evaluated: 2020-12-04. Review status: criteria provided, single submitter. Criteria: Invitae Variant Classification Sherloc (09022015). Collection method: clinical testing. Allele origin: germline.
Comment: In summary, the available evidence is currently insufficient to determine the role of this variant in disease. Therefore, it has been classified as a Variant of Uncertain Significance. Algorithms developed to predict the effect of missense changes on protein structure and function output the following: SIFT: "Tolerated"; PolyPhen-2: "Benign"; Align-GVGD: "Class C0". The methionine amino acid residue is found in multiple mammalian species, suggesting that this missense change does not adversely affect protein function. These predictions have not been confirmed by published functional studies and their clinical significance is uncertain. This variant has not been reported in the literature in individuals with SLC13A5-related conditions. This variant is not present in population databases (ExAC no frequency). This sequence change replaces valine with methionine at codon 563 of the SLC13A5 protein (p.Val563Met). The valine residue is weakly conserved and there is a small physicochemical difference between valine and methionine.